The following is an entry in ClinVar:

ClinVar aggregate classification (germline): Uncertain significance (1 of 4 stars; one submission).

Conditions:
Cardiovascular phenotype. Identifiers: MedGen CN230736.

Allele frequency attached by ClinVar (database versions not stated): gnomAD exomes below 0.00001.
gnomAD v4.1: 1 of 1,614,090 alleles (0.000062%); highest among the groups gnomAD compares: Non-Finnish European, 0.000085%; no homozygotes.

Submission:

Ambry Genetics
Classification: Uncertain significance for Cardiovascular phenotype. Last evaluated: 2021-08-14. Review status: criteria provided, single submitter. Criteria: Ambry Variant Classification Scheme 2023. Collection method: clinical testing. Allele origin: germline.
Comment: The p.D466E variant (also known as c.1398T>A), located in coding exon 10 of the DSC2 gene, results from a T to A substitution at nucleotide position 1398. The aspartic acid at codon 466 is replaced by glutamic acid, an amino acid with highly similar properties. This amino acid position is conserved. In addition, the in silico prediction for this alteration is inconclusive. Since supporting evidence is limited at this time, the clinical significance of this alteration remains unclear.

NM_024422.6(DSC2):c.1398T>A (p.Asp466Glu)

Gene: DSC2 (desmocollin 2; minus strand). Cytogenetic location: 18q12.1.
Variant type: single nucleotide variant.
Coding change: c.1398T>A on transcript NM_024422.6 (MANE Select); coding-DNA position 1398, T replaced by A.
Protein change: p.Asp466Glu; replaces aspartic acid 466 with glutamic acid.
Molecular consequence: missense variant.
Genome position (GRCh38, 1-based): chr18:31,080,218, A>T on the plus strand (T>A on the coding strand, the complement: DSC2 is on the minus strand). VCF-style: chr18-31080218-A-T. GRCh37 (hg19) VCF-style: chr18-28660184-A-T.
Other names: c.969T>A, p.Asp323Glu (NM_001406506.1, NM_001406507.1); c.1398T>A, p.Asp466Glu (NM_004949.5); short protein forms D323E, D466E.
Identifiers: ClinVar variation 1771681 (VCV001771681.2), dbSNP rs2510947035, ClinGen allele CA402108587.
Genomic context (GRCh38, chr18:31,080,218, plus strand): 5'-CACTTCTGCATTTTCTTTCATGCGAACAGTCTGTATTGGAGGGTTACACTCAGGGCCCTC[A>T]TCCTGATCTTCTACATTAACAGTAACTGTTGCTGTGCTCATGGCTGATCTTGGACTAGCC-3'
Protein context (NP_077740.1, residues 456-476): ATVTVNVEDQ[Asp466Glu]EGPECNPPIQ